The following is an entry in ClinVar:

ClinVar aggregate classification (germline): Uncertain significance (1 of 4 stars; one submission).

Submission:

Mayo Clinic Laboratories, Mayo Clinic
Classification: Uncertain significance. Last evaluated: 2025-03-19. Review status: criteria provided, single submitter. Criteria: ACMG Guidelines, 2015. Collection method: clinical testing. Allele origin: germline. Observed: 1 variant allele.
Comment: PM2_supporting

NM_004115.4(FGF14):c.701T>C (p.Ile234Thr)

Gene: FGF14 (fibroblast growth factor 14; minus strand). Cytogenetic location: 13q33.1.
Variant type: single nucleotide variant.
Coding change: c.701T>C on transcript NM_004115.4 (MANE Select); coding-DNA position 701, T replaced by C.
Protein change: p.Ile234Thr; replaces isoleucine 234 with threonine.
Molecular consequence: missense variant.
Genome position (GRCh38, 1-based): chr13:101,722,874, A>G on the plus strand (T>C on the coding strand, the complement: FGF14 is on the minus strand). VCF-style: chr13-101722874-A-G. GRCh37 (hg19) VCF-style: chr13-102375224-A-G.
Other names: p.Ile234Thr; c.449T>C, p.Ile150Thr (NM_001321931.1, NM_001321934.1, NM_001321935.1 and 4 more transcripts); c.512T>C, p.Ile171Thr (NM_001321932.1, NM_001321936.1, NM_001321944.1); c.521T>C, p.Ile174Thr (NM_001321933.1, NM_001321938.2, NM_001321940.1); c.605T>C, p.Ile202Thr (NM_001321939.2); c.515T>C, p.Ile172Thr (NM_001321941.2); c.599T>C, p.Ile200Thr (NM_001321945.2, NM_001321948.2, NM_001379342.1); c.560T>C, p.Ile187Thr (NM_001321947.2); and 1 more; short protein forms I174T, I202T, I234T, I172T, I187T, I200T, I150T, I171T.
Identifiers: ClinVar variation 4541799 (VCV004541799.1).